The following is an entry in ClinVar:

ClinVar aggregate classification (germline): Uncertain significance (1 of 4 stars; one submission).

Submission:

Women's Health and Genetics/Laboratory Corporation of America, LabCorp
Classification: Uncertain significance. Last evaluated: 2026-05-14. Review status: criteria provided, single submitter. Criteria: LabCorp Variant Classification Summary - May 2015. Collection method: clinical testing. Allele origin: germline.
Comment: Variant summary: ANK2 c.-229958_-150844del is located in the untranscribed region upstream of the ANK2 gene region. The variant was absent in 21694 control chromosomes. The available data on variant occurrences in the general population are insufficient to allow any conclusion about variant significance. To our knowledge, no occurrence of c.-229958_-150844del in individuals affected with ANK2-related conditions and no experimental evidence demonstrating its impact on protein function have been reported. No submitters have cited clinical-significance assessments for this variant to ClinVar. Based on the evidence outlined above, the variant was classified as uncertain significance.

NM_001148.6:c.-229958_-150844del

Gene: ANK2 (ankyrin 2; plus strand).
Variant type: Deletion.
Other names: c.-229958_-150844del (NM_001148.6).
Identifiers: ClinVar variation 4853080 (VCV004853080.1).